The following is an entry in ClinVar:

ClinVar aggregate classification (germline): Pathogenic. Review status: criteria provided, multiple submitters, no conflicts (2 of 4 stars). 2 submissions from 2 submitters: Pathogenic (2). Last evaluated 2023-11-28.

Conditions:
Early-infantile DEE. Also called: Ohtahara syndrome; Early infantile epileptic encephalopathy with suppression bursts; Early infantile epileptic encephalopathy. Identifiers: Orphanet 1934, MedGen C0393706, MONDO:0800491.

Submissions (2):

Labcorp Genetics (formerly Invitae), Labcorp
Classification: Pathogenic for Early-infantile DEE. Last evaluated: 2023-11-28. Review status: criteria provided, single submitter. Criteria: Invitae Variant Classification Sherloc (09022015). Collection method: clinical testing. Allele origin: germline.
Comment: This sequence change replaces aspartic acid, which is acidic and polar, with glycine, which is neutral and non-polar, at codon 266 of the KCNQ2 protein (p.Asp266Gly). This variant is not present in population databases (gnomAD no frequency). This missense change has been observed in individual(s) with clinical features of developmental and epileptic encephalopathy (Invitae). In at least one individual the variant was observed to be de novo. ClinVar contains an entry for this variant (Variation ID: 852899). Advanced modeling of protein sequence and biophysical properties (such as structural, functional, and spatial information, amino acid conservation, physicochemical variation, residue mobility, and thermodynamic stability) performed at Invitae indicates that this missense variant is expected to disrupt KCNQ2 protein function with a positive predictive value of 95%. For these reasons, this variant has been classified as Pathogenic.

GeneDx
Classification: Pathogenic. Last evaluated: 2022-07-25. Review status: criteria provided, single submitter. Criteria: GeneDx Variant Classification Process June 2021. Collection method: clinical testing. Allele origin: germline. Affected: yes.
Comment: Not observed at significant frequency in large population cohorts (gnomAD); Missense variants in this gene are often considered pathogenic (HGMD); In silico analysis supports that this missense variant has a deleterious effect on protein structure/function; Has not been previously published as pathogenic or benign to our knowledge; This variant is associated with the following publications: (PMID: 27602407)

NM_172107.4(KCNQ2):c.797A>G (p.Asp266Gly)

Gene: KCNQ2 (potassium voltage-gated channel subfamily Q member 2; minus strand). Cytogenetic location: 20q13.33.
Variant type: single nucleotide variant.
Coding change: c.797A>G on transcript NM_172107.4 (MANE Select); coding-DNA position 797, A replaced by G.
Protein change: p.Asp266Gly; replaces aspartic acid 266 with glycine.
Molecular consequence: missense variant.
Genome position (GRCh38, 1-based): chr20:63,442,425, T>C on the plus strand (A>G on the coding strand, the complement: KCNQ2 is on the minus strand). VCF-style: chr20-63442425-T-C. GRCh37 (hg19) VCF-style: chr20-62073778-T-C.
Other names: c.797A>G, p.Asp266Gly (NM_004518.6, NM_172106.3, NM_172108.5 and 1 more transcripts); short protein forms D266G.
Identifiers: ClinVar variation 852899 (VCV000852899.11), dbSNP rs2081187692, ClinGen allele CA409653386.